The following is an entry in ClinVar:

NM_032581.4(HYCC1):c.624A>G (p.Ser208=)

Gene: HYCC1 (hyccin PI4KA lipid kinase complex subunit 1; minus strand). Cytogenetic location: 7p15.3.
Variant type: single nucleotide variant.
Coding change: c.624A>G on transcript NM_032581.4 (MANE Select); coding-DNA position 624, A replaced by G.
Protein change: p.Ser208=; no amino-acid change (serine 208 retained).
Molecular consequence: synonymous variant.
Genome position (GRCh38, 1-based): chr7:22,976,212, T>C on the plus strand (A>G on the coding strand, the complement: HYCC1 is on the minus strand). VCF-style: chr7-22976212-T-C. GRCh37 (hg19) VCF-style: chr7-23015831-T-C.
Other names: p.Ser208=; c.624A>G, p.Ser208= (NM_001363466.2, NM_001363467.2).
Identifiers: ClinVar variation 21726 (VCV000021726.20), dbSNP rs3735231, ClinGen allele CA342417.

ClinVar aggregate classification (germline): Benign/Likely benign. Review status: criteria provided, multiple submitters, no conflicts (2 of 4 stars). 7 submissions from 7 submitters: Benign (6); Likely benign (1). Last evaluated 2026-02-04.

Conditions:
Hypomyelination and Congenital Cataract (HLD5). Also called: hypomyelinating leukodystrophy 5. Identifiers: Orphanet 85163, MedGen C1864663, MONDO:0012514, OMIM 610532.

Allele frequency attached by ClinVar (database versions not stated): gnomAD exomes 0.36972; ExAC 0.37382; 1000 Genomes Project 0.37480; TOPMed 0.35591; 1000 Genomes Project 30x 0.36899; ESP Exome Variant Server 0.34451; gnomAD 0.35143 and 0.35284.
gnomAD v4.1: 559,776 of 1,595,058 alleles (35%); highest among the groups gnomAD compares: East Asian, 48%; 99,736 homozygotes.

Submissions (7):

Labcorp Genetics (formerly Invitae), Labcorp
Classification: Benign for Hypomyelination and Congenital Cataract. Last evaluated: 2026-02-04. Review status: criteria provided, single submitter. Criteria: Invitae Variant Classification Sherloc (09022015). Collection method: clinical testing. Allele origin: germline.

Blueprint Genetics
Classification: Likely benign. Last evaluated: 2024-11-27. Review status: criteria provided, single submitter. Criteria: ACMG Guidelines, 2015. Collection method: clinical testing. Allele origin: germline.

Genome-Nilou Lab
Classification: Benign for Hypomyelination and Congenital Cataract. Last evaluated: 2021-08-10. Review status: criteria provided, single submitter. Criteria: ACMG Guidelines, 2015. Collection method: clinical testing. Allele origin: germline. Affected: no.

GeneDx
Classification: Benign. Last evaluated: 2018-04-02. Review status: criteria provided, single submitter. Criteria: GeneDx Variant Classification (06012015). Collection method: clinical testing. Allele origin: germline. Affected: yes.
Comment: This variant is considered likely benign or benign based on one or more of the following criteria: it is a conservative change, it occurs at a poorly conserved position in the protein, it is predicted to be benign by multiple in silico algorithms, and/or has population frequency not consistent with disease.

Illumina Laboratory Services, Illumina
Classification: Benign for Hypomyelination and Congenital Cataract. Last evaluated: 2018-01-13. Review status: criteria provided, single submitter. Criteria: ICSL Variant Classification Criteria 13 December 2019. Collection method: clinical testing. Allele origin: germline.
Comment: This variant was observed in the ICSL laboratory as part of a predisposition screen in an ostensibly healthy population. It had not been previously curated by ICSL or reported in the Human Gene Mutation Database (HGMD: prior to June 1st, 2018), and was therefore a candidate for classification through an automated scoring system. Utilizing variant allele frequency, disease prevalence and penetrance estimates, and inheritance mode, an automated score was calculated to assess if this variant is too frequent to cause the disease. Based on the score and internal cut-off values, a variant classified as benign is not then subjected to further curation. The score for this variant resulted in a classification of benign for this disease.

Mayo Clinic Laboratories, Mayo Clinic
Classification: Benign. Last evaluated: 2017-07-25. Review status: criteria provided, single submitter. Criteria: ACMG Guidelines, 2015. Collection method: clinical testing. Allele origin: germline. Observed: 1,061 variant alleles.

PreventionGenetics, part of Exact Sciences
Classification: Benign. Review status: criteria provided, single submitter. Criteria: ACMG Guidelines, 2015. Collection method: clinical testing. Allele origin: germline.